The following is an entry in ClinVar:

ClinVar aggregate classification (germline): not provided (0 of 4 stars; one submission).

Conditions:
Amyotrophic lateral sclerosis type 10 (ALS10). Also called: TARDBP-Related Amyotrophic Lateral Sclerosis-Frontotemporal Dementia; Amyotrophic lateral sclerosis 10, with or without FTD; AMYOTROPHIC LATERAL SCLEROSIS 10 WITH OR WITHOUT FRONTOTEMPORAL DEMENTIA; AMYOTROPHIC LATERAL SCLEROSIS 10 WITHOUT FRONTOTEMPORAL DEMENTIA AND WITH TDP43 INCLUSIONS; AMYOTROPHIC LATERAL SCLEROSIS 10 WITH OR WITHOUT FRONTOTEMPORAL DEMENTIA AND WITH TDP43 INCLUSIONS. Identifiers: Orphanet 275872, Orphanet 803, MedGen C2677565, MONDO:0012790, OMIM 612069.

Submission:

GeneReviews
No classification provided. Condition: Amyotrophic lateral sclerosis type 10. Review status: no classification provided. Collection method: literature only. Allele origin: germline. Affected: yes.
Comment: Limited evidence of segregation.

Literature cited by the submitters: NCBI Bookshelf NBK5942.

NM_007375.4(TARDBP):c.1153T>G (p.Trp385Gly)

Gene: TARDBP (TAR DNA binding protein; plus strand). Cytogenetic location: 1p36.22.
Variant type: single nucleotide variant.
Coding change: c.1153T>G on transcript NM_007375.4 (MANE Select); coding-DNA position 1153, T replaced by G.
Protein change: p.Trp385Gly; replaces tryptophan 385 with glycine.
Molecular consequence: missense variant.
Genome position (GRCh38, 1-based): chr1:11,022,562, T>G. VCF-style: chr1-11022562-T-G. GRCh37 (hg19) VCF-style: chr1-11082619-T-G.
Identifiers: ClinVar variation 190400 (VCV000190400.3), dbSNP rs797044595, ClinGen allele CA347250.